The following is an entry in ClinVar:

NM_198578.4(LRRK2):c.58A>T (p.Ile20Leu)

Gene: LRRK2 (leucine rich repeat kinase 2; plus strand). Cytogenetic location: 12q12.
Variant type: single nucleotide variant.
Coding change: c.58A>T on transcript NM_198578.4 (MANE Select); coding-DNA position 58, A replaced by T.
Protein change: p.Ile20Leu; replaces isoleucine 20 with leucine.
Molecular consequence: missense variant.
Genome position (GRCh38, 1-based): chr12:40,225,189, A>T. VCF-style: chr12-40225189-A-T. GRCh37 (hg19) VCF-style: chr12-40618991-A-T.
Other names: short protein forms I20L.
Identifiers: ClinVar variation 3291893 (VCV003291893.1).
Genomic context (GRCh38, chr12:40,225,189, plus strand): 5'-ACCATGGCTAGTGGCAGCTGTCAGGGGTGCGAAGAGGACGAGGAAACTCTGAAGAAGTTG[A>T]TAGTCAGGCTGAACAATGTCCAGGAAGGAAAACAGATAGAAACGCTGGTCCAAATCCTGG-3'
Protein context (NP_940980.4, residues 10-30): EEDEETLKKL[Ile20Leu]VRLNNVQEGK

ClinVar aggregate classification (germline): Uncertain significance (1 of 4 stars; one submission).

Conditions:
Inborn genetic diseases. Identifiers: MedGen C0950123, MeSH D030342.

Submission:

Ambry Genetics
Classification: Uncertain significance for Inborn genetic diseases. Last evaluated: 2024-04-16. Review status: criteria provided, single submitter. Criteria: Ambry Variant Classification Scheme 2023. Collection method: clinical testing. Allele origin: germline.
Comment: The p.I20L variant (also known as c.58A>T), located in coding exon 1 of the LRRK2 gene, results from an A to T substitution at nucleotide position 58. The isoleucine at codon 20 is replaced by leucine, an amino acid with highly similar properties. This amino acid position is conserved. In addition, this alteration is predicted to be tolerated by in silico analysis. Based on the available evidence, the clinical significance of this variant remains unclear.